The following is an entry in ClinVar:

NM_005909.5(MAP1B):c.4441G>A (p.Val1481Ile)

Gene: MAP1B (microtubule associated protein 1B; plus strand). Cytogenetic location: 5q13.2.
Variant type: single nucleotide variant.
Coding change: c.4441G>A on transcript NM_005909.5 (MANE Select); coding-DNA position 4441, G replaced by A.
Protein change: p.Val1481Ile; replaces valine 1481 with isoleucine.
Molecular consequence: missense variant.
Genome position (GRCh38, 1-based): chr5:72,197,796, G>A. VCF-style: chr5-72197796-G-A. GRCh37 (hg19) VCF-style: chr5-71493623-G-A.
Other names: c.4063G>A, p.Val1355Ile (NM_001324255.2); short protein forms V1355I, V1481I.
Identifiers: ClinVar variation 4681437 (VCV004681437.5).

ClinVar aggregate classification (germline): Likely benign (1 of 4 stars; one submission).

gnomAD v4.1: 15 of 1,614,114 alleles (0.00093%); highest among the groups gnomAD compares: African/African-American, 0.0053%; no homozygotes.

Submission:

CeGaT Center for Human Genetics Tuebingen
Classification: Likely benign. Last evaluated: 2025-12-01. Review status: criteria provided, single submitter. Criteria: CeGaT Center For Human Genetics Tuebingen Variant Classification Criteria Version 2. Collection method: clinical testing. Allele origin: germline. Affected: yes. Observed: 1 variant allele.
Comment: MAP1B: BP4